The following is an entry in ClinVar:

NM_033109.5(PNPT1):c.959C>G (p.Thr320Arg)

Gene: PNPT1 (polyribonucleotide nucleotidyltransferase 1; minus strand). Cytogenetic location: 2p16.1.
Variant type: single nucleotide variant.
Coding change: c.959C>G on transcript NM_033109.5 (MANE Select); coding-DNA position 959, C replaced by G.
Protein change: p.Thr320Arg; replaces threonine 320 with arginine.
Molecular consequence: missense variant.
Genome position (GRCh38, 1-based): chr2:55,671,336, G>C on the plus strand (C>G on the coding strand, the complement: PNPT1 is on the minus strand). VCF-style: chr2-55671336-G-C. GRCh37 (hg19) VCF-style: chr2-55898471-G-C.
Other names: short protein forms T320R.
Identifiers: ClinVar variation 1461298 (VCV001461298.8), dbSNP rs200555807, ClinGen allele CA346931502.
Genomic context (GRCh38, chr2:55,671,336, plus strand): 5'-CTGCCCTCAGCAAAAAAATAAAATAAAATAAAATAAAATTTACCTTTTAGTTGTTCCTCC[G>C]TATCTAATCTTATTTTGTTAACAGCTTCATCTCTGGAAACCTAAAAGAAAGTTGAGGTTC-3'
Protein context (NP_149100.2, residues 310-330): DEAVNKIRLD[Thr320Arg]EEQLKEKFPE

ClinVar aggregate classification (germline): Uncertain significance (1 of 4 stars; one submission).

gnomAD v4.1: 2 of 1,534,744 alleles (0.00013%); highest among the groups gnomAD compares: Non-Finnish European, 0.00018%; no homozygotes.

Submission:

Labcorp Genetics (formerly Invitae), Labcorp
Classification: Uncertain significance. Last evaluated: 2022-07-05. Review status: criteria provided, single submitter. Criteria: Invitae Variant Classification Sherloc (09022015). Collection method: clinical testing. Allele origin: germline.
Comment: This sequence change replaces threonine, which is neutral and polar, with arginine, which is basic and polar, at codon 320 of the PNPT1 protein (p.Thr320Arg). In summary, the available evidence is currently insufficient to determine the role of this variant in disease. Therefore, it has been classified as a Variant of Uncertain Significance. Advanced modeling of protein sequence and biophysical properties (such as structural, functional, and spatial information, amino acid conservation, physicochemical variation, residue mobility, and thermodynamic stability) performed at Invitae indicates that this missense variant is expected to disrupt PNPT1 protein function. ClinVar contains an entry for this variant (Variation ID: 1461298). This variant has not been reported in the literature in individuals affected with PNPT1-related conditions. This variant is not present in population databases (gnomAD no frequency).